The following is an entry in ClinVar:

NM_004612.4(TGFBR1):c.54_80delinsC (p.Ala20fs)

Gene: TGFBR1 (transforming growth factor beta receptor 1; plus strand). Cytogenetic location: 9q22.33.
Variant type: Indel.
Coding change: c.54_80delinsC on transcript NM_004612.4 (MANE Select); coding-DNA positions 54 to 80, GGCGGCGGCGGCGGCGGCGGCGGCGCT replaced by C.
Protein change: p.Ala20fs; shifts the reading frame from alanine 20.
Molecular consequence: frameshift variant. On other transcripts: 5 prime UTR variant (5), non-coding transcript variant (4), intron variant (8).
Genome position (GRCh38, 1-based): chr9:99,105,259-99,105,285, GGCGGCGGCGGCGGCGGCGGCGGCGCT replaced by C. VCF-style: chr9-99105259-GGCGGCGGCGGCGGCGGCGGCGGCGCT-C. GRCh37 (hg19) VCF-style: chr9-101867541-GGCGGCGGCGGCGGCGGCGGCGGCGCT-C.
Other names: c.54_80delinsC, p.Ala20fs (NM_001130916.3, NM_001306210.2, NM_001407416.1 and 5 more transcripts); c.-290_-264delinsC (NM_001407420.1, NM_001407429.1); c.-259_-233delinsC (NM_001407422.1, NM_001407426.1); c.-214_-188delinsC (NM_001407428.1); c.-111+1518_-111+1544delinsC (NM_001407418.1, NM_001407423.1); c.-111+1153_-111+1179delinsC (NM_001407424.1); c.-111+740_-111+766delinsC (NM_001407425.1); c.-111+533_-111+559delinsC (NM_001407434.1); and 2 more; short protein forms A20fs.
Identifiers: ClinVar variation 3365216 (VCV003365216.1).

ClinVar aggregate classification (germline): Uncertain significance (1 of 4 stars; one submission).

Submission:

GeneDx
Classification: Uncertain significance. Last evaluated: 2023-12-04. Review status: criteria provided, single submitter. Criteria: GeneDx Variant Classification Process June 2021. Collection method: clinical testing. Allele origin: germline. Affected: yes.
Comment: Not observed at significant frequency in large population cohorts (gnomAD); Frameshift variant predicted to result in protein truncation or nonsense mediated decay in a gene for which loss of function is a known mechanism of disease; Has not been previously published as pathogenic or benign to our knowledge